The following is an entry in ClinVar:

NM_002292.4(LAMB2):c.2339C>T (p.Ala780Val)

Gene: LAMB2 (laminin subunit beta 2; minus strand). Cytogenetic location: 3p21.31.
Variant type: single nucleotide variant.
Coding change: c.2339C>T on transcript NM_002292.4 (MANE Select); coding-DNA position 2339, C replaced by T.
Protein change: p.Ala780Val; replaces alanine 780 with valine.
Molecular consequence: missense variant.
Genome position (GRCh38, 1-based): chr3:49,125,972, G>A on the plus strand (C>T on the coding strand, the complement: LAMB2 is on the minus strand). VCF-style: chr3-49125972-G-A. GRCh37 (hg19) VCF-style: chr3-49163405-G-A.
Other names: short protein forms A780V.
Identifiers: ClinVar variation 1473988 (VCV001473988.8), dbSNP rs2107640102, ClinGen allele CA352725153.

ClinVar aggregate classification (germline): Uncertain significance (1 of 4 stars; one submission).

Conditions:
Pierson syndrome. Also called: MICROCORIA-CONGENITAL NEPHROTIC SYNDROME. Identifiers: Orphanet 2670, MedGen C1836876, MONDO:0012184, OMIM 609049.
LAMB2-related infantile-onset nephrotic syndrome. Also called: NEPHROTIC SYNDROME, TYPE 5, WITHOUT OCULAR ABNORMALITIES; NEPHROTIC SYNDROME, TYPE 5, WITH OCULAR ABNORMALITIES; Nephrotic Syndrome, type 5. Identifiers: Orphanet 306507, MedGen C3280113, MONDO:0013621, OMIM 614199.

Allele frequency attached by ClinVar (database versions not stated): gnomAD exomes below 0.00001.
gnomAD v4.1: 1 of 1,614,148 alleles (0.000062%); highest among the groups gnomAD compares: Non-Finnish European, 0.000085%; no homozygotes.

Submission:

Labcorp Genetics (formerly Invitae), Labcorp
Classification: Uncertain significance for LAMB2-related infantile-onset nephrotic syndrome; Pierson syndrome. Last evaluated: 2021-05-08. Review status: criteria provided, single submitter. Criteria: Invitae Variant Classification Sherloc (09022015). Collection method: clinical testing. Allele origin: germline.
Comment: In summary, the available evidence is currently insufficient to determine the role of this variant in disease. Therefore, it has been classified as a Variant of Uncertain Significance. Algorithms developed to predict the effect of missense changes on protein structure and function (SIFT, PolyPhen-2, Align-GVGD) all suggest that this variant is likely to be disruptive, but these predictions have not been confirmed by published functional studies and their clinical significance is uncertain. This variant has not been reported in the literature in individuals with LAMB2-related conditions. This variant is not present in population databases (ExAC no frequency). This sequence change replaces alanine with valine at codon 780 of the LAMB2 protein (p.Ala780Val). The alanine residue is highly conserved and there is a small physicochemical difference between alanine and valine.